The following is an entry in ClinVar:

ClinVar aggregate classification (germline): Uncertain significance (1 of 4 stars; one submission).

Conditions:
Inborn genetic diseases. Identifiers: MedGen C0950123, MeSH D030342.

gnomAD v4.1: 1 of 1,187,046 alleles (0.000084%); highest among the groups gnomAD compares: Non-Finnish European, 0.00011%; no homozygotes.

Submission:

Ambry Genetics
Classification: Uncertain significance for Inborn genetic diseases. Last evaluated: 2026-07-06. Review status: criteria provided, single submitter. Criteria: Ambry Variant Classification Scheme 2023. Collection method: clinical testing. Allele origin: germline.
Comment: The p.L104V variant (also known as c.310C>G), located in coding exon 4 of the OTC gene, results from a C to G substitution at nucleotide position 310. The leucine at codon 104 is replaced by valine, an amino acid with highly similar properties. This amino acid position is conserved. In addition, this alteration is predicted to be deleterious by in silico analysis. Based on the available evidence, the clinical significance of this variant remains unclear.

NM_000531.6(OTC):c.310C>G (p.Leu104Val)

Gene: OTC (ornithine transcarbamylase; plus strand). Cytogenetic location: Xp11.4.
Variant type: single nucleotide variant.
Coding change: c.310C>G on transcript NM_000531.6 (MANE Select); coding-DNA position 310, C replaced by G.
Protein change: p.Leu104Val; replaces leucine 104 with valine.
Molecular consequence: missense variant.
Genome position (GRCh38, 1-based): chrX:38,381,353, C>G. VCF-style: chrX-38381353-C-G. GRCh37 (hg19) VCF-style: chrX-38240606-C-G.
Other names: c.310C>G, p.Leu104Val (NM_001407092.1); short protein forms L104V.
Identifiers: ClinVar variation 5026108 (VCV005026108.1).